The following is an entry in ClinVar:

NM_024577.4(SH3TC2):c.2861G>A (p.Arg954Gln)

Gene: SH3TC2 (SH3 domain and tetratricopeptide repeats 2; minus strand). Cytogenetic location: 5q32.
Variant type: single nucleotide variant.
Coding change: c.2861G>A on transcript NM_024577.4 (MANE Select); coding-DNA position 2861, G replaced by A.
Protein change: p.Arg954Gln; replaces arginine 954 with glutamine.
Molecular consequence: missense variant.
Genome position (GRCh38, 1-based): chr5:149,026,871, C>T on the plus strand (G>A on the coding strand, the complement: SH3TC2 is on the minus strand). VCF-style: chr5-149026871-C-T. GRCh37 (hg19) VCF-style: chr5-148406434-C-T.
Other names: short protein forms R954Q.
Identifiers: ClinVar variation 963462 (VCV000963462.11), dbSNP rs776426059, ClinGen allele CA3498921.

ClinVar aggregate classification (germline): Uncertain significance. Review status: criteria provided, multiple submitters, no conflicts (2 of 4 stars). 4 submissions from 4 submitters: Uncertain significance (4). Last evaluated 2023-05-22.

Conditions:
Inborn genetic diseases. Identifiers: MedGen C0950123, MeSH D030342.
Charcot-Marie-Tooth disease type 4. Also called: Charcot-Marie-Tooth disease, type IV; Charcot-Marie-Tooth, Type 4. Identifiers: Orphanet 64749, MedGen C4082197, MONDO:0018995.

Allele frequency attached by ClinVar (database versions not stated): ExAC 0.00001; gnomAD 0.00002 and 0.00003; TOPMed 0.00002; gnomAD exomes 0.00003 and 0.00004.
gnomAD v4.1: 62 of 1,614,052 alleles (0.0038%); highest among the groups gnomAD compares: East Asian, 0.058%; no homozygotes.

Submissions (4):

Labcorp Genetics (formerly Invitae), Labcorp
Classification: Uncertain significance for Charcot-Marie-Tooth disease type 4. Last evaluated: 2023-05-22. Review status: criteria provided, single submitter. Criteria: Invitae Variant Classification Sherloc (09022015). Collection method: clinical testing. Allele origin: germline.
Comment: In summary, the available evidence is currently insufficient to determine the role of this variant in disease. Therefore, it has been classified as a Variant of Uncertain Significance. Advanced modeling of protein sequence and biophysical properties (such as structural, functional, and spatial information, amino acid conservation, physicochemical variation, residue mobility, and thermodynamic stability) performed at Invitae indicates that this missense variant is not expected to disrupt SH3TC2 protein function. ClinVar contains an entry for this variant (Variation ID: 963462). This variant has not been reported in the literature in individuals affected with SH3TC2-related conditions. This variant is present in population databases (rs776426059, gnomAD 0.02%). This sequence change replaces arginine, which is basic and polar, with glutamine, which is neutral and polar, at codon 954 of the SH3TC2 protein (p.Arg954Gln).

Athena Diagnostics
Classification: Uncertain significance. Last evaluated: 2021-09-30. Review status: criteria provided, single submitter. Criteria: Athena Diagnostics Criteria. Collection method: clinical testing. Allele origin: unknown.

Ambry Genetics
Classification: Uncertain significance for Inborn genetic diseases. Last evaluated: 2020-10-15. Review status: criteria provided, single submitter. Criteria: Ambry Variant Classification Scheme 2023. Collection method: clinical testing. Allele origin: germline.
Comment: The p.R954Q variant (also known as c.2861G>A), located in coding exon 11 of the SH3TC2 gene, results from a G to A substitution at nucleotide position 2861. The arginine at codon 954 is replaced by glutamine, an amino acid with highly similar properties. This amino acid position is poorly conserved in available vertebrate species. In addition, this alteration is predicted to be tolerated by in silico analysis. Since supporting evidence is limited at this time, the clinical significance of this alteration remains unclear.

Blueprint Genetics
Classification: Uncertain significance. Last evaluated: 2019-08-19. Review status: criteria provided, single submitter. Criteria: ACMG Guidelines, 2015. Collection method: clinical testing. Allele origin: germline.